The following is an entry in ClinVar:

ClinVar aggregate classification (germline): Pathogenic (1 of 4 stars; one submission).

Conditions:
Primary ciliary dyskinesia. Also called: Ciliary dyskinesia. Identifiers: Orphanet 244, MedGen C0008780, MONDO:0016575, HP:0012265.

Submission:

Labcorp Genetics (formerly Invitae), Labcorp
Classification: Pathogenic for Primary ciliary dyskinesia. Last evaluated: 2022-04-10. Review status: criteria provided, single submitter. Criteria: Invitae Variant Classification Sherloc (09022015). Collection method: clinical testing. Allele origin: germline.
Comment: For these reasons, this variant has been classified as Pathogenic. This variant has not been reported in the literature in individuals affected with DNAAF5-related conditions. This variant is not present in population databases (gnomAD no frequency). This sequence change creates a premature translational stop signal (p.Trp73*) in the DNAAF5 gene. It is expected to result in an absent or disrupted protein product. Loss-of-function variants in DNAAF5 are known to be pathogenic (PMID: 24307375, 25232951).

Literature cited by the submitters: PubMed 24307375; PubMed 25232951.

NM_017802.4(DNAAF5):c.218G>A (p.Trp73Ter)

Genes: DNAAF5 (dynein axonemal assembly factor 5; plus strand), PRKAR1B (protein kinase cAMP-dependent type I regulatory subunit beta; minus strand), LOC129997730 (ATAC-STARR-seq lymphoblastoid silent region 17816; plus strand). Cytogenetic location: 7p22.3.
Variant type: single nucleotide variant.
Coding change: c.218G>A on transcript NM_017802.4 (MANE Select); coding-DNA position 218, G replaced by A.
Protein change: p.Trp73Ter; replaces tryptophan 73 with a stop codon.
Molecular consequence: nonsense. On other transcripts: non-coding transcript variant (1), intron variant (3).
Genome position (GRCh38, 1-based): chr7:726,938, G>A. VCF-style: chr7-726938-G-A. GRCh37 (hg19) VCF-style: chr7-766575-G-A.
Other names: c.-23+717C>T (NM_001164759.1); c.-23+652C>T (NM_001164758.2); c.-23+272C>T (NM_001164760.2); short protein forms W73*.
Identifiers: ClinVar variation 1958066 (VCV001958066.5), dbSNP rs915848808, ClinGen allele CA366529996.
Genomic context (GRCh38, chr7:726,938, plus strand): 5'-TGCGGCGCGCGCTGGAGGAGCCAGGCCCTGCCGCCGACCCCACCGCTTTCCAGGGCCCCT[G>A]GGCGCGCCTACTGCTGCCGCGCTTGCTGCGCTGCCTGAGCGACCCCGCCGAGGGCTGCCG-3'